The following is an entry in ClinVar:

NM_058246.4(DNAJB6):c.*922C>T

Gene: DNAJB6 (DnaJ heat shock protein family (Hsp40) member B6; plus strand). Cytogenetic location: 7q36.3.
Variant type: single nucleotide variant.
Coding change: c.*922C>T on transcript NM_058246.4 (MANE Select); 922 bases downstream of the stop codon, C replaced by T.
Molecular consequence: 3 prime UTR variant.
Genome position (GRCh38, 1-based): chr7:157,417,020, C>T. VCF-style: chr7-157417020-C-T. GRCh37 (hg19) VCF-style: chr7-157209714-C-T.
Other names: c.*922C>T (NM_001363676.1).
Identifiers: ClinVar variation 1695219 (VCV001695219.31), dbSNP rs192836867, ClinGen allele CA169908183.

ClinVar aggregate classification (germline): Benign (1 of 4 stars; one submission).

Allele frequency attached by ClinVar (database versions not stated): gnomAD 0.00047 and 0.00048; TOPMed 0.00077; 1000 Genomes Project 0.00100; 1000 Genomes Project 30x 0.00109.

Submission:

CeGaT Center for Human Genetics Tuebingen
Classification: Benign. Last evaluated: 2022-05-01. Review status: criteria provided, single submitter. Criteria: CeGaT Center For Human Genetics Tuebingen Variant Classification Criteria Version 2. Collection method: clinical testing. Allele origin: germline. Affected: yes. Observed: 1 variant allele.
Comment: DNAJB6: BS1, BS2